The following is an entry in ClinVar:

ClinVar aggregate classification (germline): Uncertain significance (1 of 4 stars; one submission).

Conditions:
Inborn genetic diseases. Identifiers: MedGen C0950123, MeSH D030342.

Allele frequency attached by ClinVar (database versions not stated): gnomAD exomes below 0.00001; TOPMed 0.00001; ExAC 0.00002; gnomAD 0.00002.
gnomAD v4.1: 4 of 1,613,668 alleles (0.00025%); highest among the groups gnomAD compares: African/African-American, 0.0053%; no homozygotes.

Submission:

Ambry Genetics
Classification: Uncertain significance for Inborn genetic diseases. Last evaluated: 2023-04-09. Review status: criteria provided, single submitter. Criteria: Ambry Variant Classification Scheme 2023. Collection method: clinical testing. Allele origin: germline.
Comment: The p.E685G variant (also known as c.2054A>G), located in coding exon 17 of the LRRK2 gene, results from an A to G substitution at nucleotide position 2054. The glutamic acid at codon 685 is replaced by glycine, an amino acid with similar properties. This amino acid position is conserved. In addition, this alteration is predicted to be tolerated by in silico analysis. Since supporting evidence is limited at this time, the clinical significance of this alteration remains unclear.

NM_198578.4(LRRK2):c.2054A>G (p.Glu685Gly)

Gene: LRRK2 (leucine rich repeat kinase 2; plus strand). Cytogenetic location: 12q12.
Variant type: single nucleotide variant.
Coding change: c.2054A>G on transcript NM_198578.4 (MANE Select); coding-DNA position 2054, A replaced by G.
Protein change: p.Glu685Gly; replaces glutamic acid 685 with glycine.
Molecular consequence: missense variant.
Genome position (GRCh38, 1-based): chr12:40,278,000, A>G. VCF-style: chr12-40278000-A-G. GRCh37 (hg19) VCF-style: chr12-40671802-A-G.
Other names: short protein forms E685G.
Identifiers: ClinVar variation 2561237 (VCV002561237.2), dbSNP rs747081397, ClinGen allele CA6513536.